The following is an entry in ClinVar:

NM_016616.5(NME8):c.226C>A (p.Gln76Lys)

Gene: NME8 (NME/NM23 family member 8; plus strand). Cytogenetic location: 7p14.1.
Variant type: single nucleotide variant.
Coding change: c.226C>A on transcript NM_016616.5 (MANE Select); coding-DNA position 226, C replaced by A.
Protein change: p.Gln76Lys; replaces glutamine 76 with lysine.
Molecular consequence: missense variant.
Genome position (GRCh38, 1-based): chr7:37,857,301, C>A. VCF-style: chr7-37857301-C-A. GRCh37 (hg19) VCF-style: chr7-37896903-C-A.
Other names: short protein forms Q76K.
Identifiers: ClinVar variation 409677 (VCV000409677.15), dbSNP rs142570057, ClinGen allele CA4222103.
Genomic context (GRCh38, chr7:37,857,301, plus strand): 5'-TTTATTATTATATGAAATGTTTACTTTTTCCAGGCAGAAGCTGACAACATTGTGACTTTG[C>A]AGCCATTTAGAGATAAATGTGAACCTGTTTTTCTCTTTAGTGTTGTAAGTATATTTACTT-3'
Protein context (NP_057700.3, residues 66-86): VAEADNIVTL[Gln76Lys]PFRDKCEPVF

ClinVar aggregate classification (germline): Likely benign. Review status: criteria provided, multiple submitters, no conflicts (2 of 4 stars). 3 submissions from 3 submitters: Likely benign (2). 1 of the submissions does not count toward it. Last evaluated 2026-01-21.

Conditions:
Primary ciliary dyskinesia 6. Also called: Primary Ciliary Dyskinesia 6: TXNDC3-Related Primary Ciliary Dyskinesia. Identifiers: Orphanet 244, MedGen C1970506, MONDO:0012571, OMIM 610852.
Primary ciliary dyskinesia. Also called: Ciliary dyskinesia. Identifiers: Orphanet 244, MedGen C0008780, MONDO:0016575, HP:0012265.
NME8-related disorder. Also called: NME8-related condition.

Allele frequency attached by ClinVar (database versions not stated): gnomAD exomes 0.00016 and 0.00028; gnomAD 0.00019; TOPMed 0.00020; ESP Exome Variant Server 0.00023; ExAC 0.00016.
gnomAD v4.1: 278 of 1,611,156 alleles (0.017%); highest among the groups gnomAD compares: Non-Finnish European, 0.0079%; 1 homozygote.

Submissions (3):

Labcorp Genetics (formerly Invitae), Labcorp
Classification: Likely benign for Primary ciliary dyskinesia 6. Last evaluated: 2026-01-21. Review status: criteria provided, single submitter. Criteria: Invitae Variant Classification Sherloc (09022015). Collection method: clinical testing. Allele origin: germline.

Ambry Genetics
Classification: Likely benign for Primary ciliary dyskinesia. Last evaluated: 2017-03-30. Review status: criteria provided, single submitter. Criteria: Ambry Variant Classification Scheme 2023. Collection method: clinical testing. Allele origin: germline.

PreventionGenetics, part of Exact Sciences
Classification: Likely benign for NME8-related condition. Last evaluated: 2022-01-12. Review status: no assertion criteria provided. Collection method: clinical testing. Allele origin: germline. Not counted in ClinVar's aggregate classification.
Comment: This variant is classified as likely benign based on ACMG/AMP sequence variant interpretation guidelines (Richards et al. 2015 PMID: 25741868, with internal and published modifications).